The following is an entry in ClinVar:

ClinVar aggregate classification (germline): Uncertain significance (1 of 4 stars; one submission).

Conditions:
Familial temporal lobe epilepsy 5. Identifiers: MedGen C3280730, MONDO:0013741, OMIM 614417.

gnomAD v4.1: 1 of 1,613,402 alleles (0.000062%); highest among the groups gnomAD compares: South Asian, 0.0011%; no homozygotes.

Submission:

Neuberg Centre For Genomic Medicine, NCGM
Classification: Uncertain significance for Familial temporal lobe epilepsy 5. Last evaluated: 2024-02-01. Review status: criteria provided, single submitter. Criteria: ACMG Guidelines, 2015. Collection method: clinical testing. Allele origin: germline. Inheritance: Autosomal dominant inheritance.
Comment: The above variant has not been reported previously as a pathogenic variant nor as a benign variant, to our knowledge. For these reasons, this variant has been classified as Variant of Uncertain Significance (VUS).

NM_020361.5(CPA6):c.1009A>G (p.Lys337Glu)

Genes: ARFGEF1-DT (ARFGEF1 divergent transcript; plus strand), CPA6 (carboxypeptidase A6; minus strand). Cytogenetic location: 8q13.2.
Variant type: single nucleotide variant.
Coding change: c.1009A>G on transcript NM_020361.5 (MANE Select); coding-DNA position 1009, A replaced by G.
Protein change: p.Lys337Glu; replaces lysine 337 with glutamic acid.
Molecular consequence: missense variant.
Genome position (GRCh38, 1-based): chr8:67,434,070, T>C on the plus strand (A>G on the coding strand, the complement: CPA6 is on the minus strand). VCF-style: chr8-67434070-T-C. GRCh37 (hg19) VCF-style: chr8-68346305-T-C.
Other names: short protein forms K337E.
Identifiers: ClinVar variation 3897986 (VCV003897986.1).
Genomic context (GRCh38, chr8:67,434,070, plus strand): 5'-ATGTACATGCACAGGGTCAAATACTTACCACACATCTAAAATTGGGAATTGTTGCATATT[T>C]GTAAGAATAGGGATACAGTAACATCTGAGCATATGCATGAAAGGAGAGATAAGCCCTAAT-3'
Protein context (NP_065094.3, residues 327-347): AQMLLYPYSY[Lys337Glu]YATIPNFRCV